The following is an entry in ClinVar:

NM_199242.3(UNC13D):c.203del (p.Gly68fs)

Gene: UNC13D (unc-13 homolog D; minus strand). Cytogenetic location: 17q25.1.
Variant type: Deletion.
Coding change: c.203del on transcript NM_199242.3 (MANE Select); coding-DNA position 203, one base deleted (G; older notation c.203delG).
Protein change: p.Gly68fs; shifts the reading frame from glycine 68.
Molecular consequence: frameshift variant.
Genome position (GRCh38, 1-based): chr17:75,843,217, C deleted on the plus strand (G on the coding strand, the reverse complement: UNC13D is on the minus strand); the first of 3 consecutive C bases (chr17:75,843,217-75,843,219); deleting any one gives the same sequence. VCF-style (leftmost placement, unchanged base first): chr17-75843216-AC-A. GRCh37 (hg19) VCF-style: chr17-73839297-AC-A.
Other names: short protein forms G68fs.
Identifiers: ClinVar variation 2708772 (VCV002708772.3), dbSNP rs2545988081, ClinGen allele CA2697555149.

ClinVar aggregate classification (germline): Pathogenic (1 of 4 stars; one submission).

Conditions:
Familial hemophagocytic lymphohistiocytosis 3 (FHL3). Also called: UNC13D-Related Familial Hemophagocytic Lymphohistiocytosis (UNC13D-fHLH). Identifiers: Orphanet 540, MedGen C1837174, MONDO:0012146, OMIM 608898.

Submission:

Labcorp Genetics (formerly Invitae), Labcorp
Classification: Pathogenic for Familial hemophagocytic lymphohistiocytosis 3. Last evaluated: 2024-01-11. Review status: criteria provided, single submitter. Criteria: Invitae Variant Classification Sherloc (09022015). Collection method: clinical testing. Allele origin: germline.
Comment: This sequence change creates a premature translational stop signal (p.Gly68Valfs*8) in the UNC13D gene. It is expected to result in an absent or disrupted protein product. Loss-of-function variants in UNC13D are known to be pathogenic (PMID: 14622600). This variant is not present in population databases (gnomAD no frequency). This variant has not been reported in the literature in individuals affected with UNC13D-related conditions. For these reasons, this variant has been classified as Pathogenic.

Literature cited by the submitters: PubMed 14622600.